The following is an entry in ClinVar:

NM_001384140.1(PCDH15):c.3353A>G (p.Asn1118Ser)

Gene: PCDH15 (protocadherin related 15; minus strand). Cytogenetic location: 10q21.1.
Variant type: single nucleotide variant.
Coding change: c.3353A>G on transcript NM_001384140.1 (MANE Select); coding-DNA position 3353, A replaced by G.
Protein change: p.Asn1118Ser; replaces asparagine 1118 with serine.
Molecular consequence: missense variant.
Genome position (GRCh38, 1-based): chr10:53,938,835, T>C on the plus strand (A>G on the coding strand, the complement: PCDH15 is on the minus strand). VCF-style: chr10-53938835-T-C. GRCh37 (hg19) VCF-style: chr10-55698595-T-C.
Other names: c.3368A>G, p.Asn1123Ser (NM_001142763.2, NM_001142771.2); c.3353A>G, p.Asn1118Ser (NM_001142764.2, NM_001142766.2, NM_001142770.3 and 4 more transcripts); c.3140A>G, p.Asn1047Ser (NM_001142765.2); c.3242A>G, p.Asn1081Ser (NM_001142767.2); c.3287A>G, p.Asn1096Ser (NM_001142768.2, NM_001142773.2, NM_001354404.2); c.3389A>G, p.Asn1130Ser (NM_001142769.4); c.3374A>G, p.Asn1125Ser (NM_001354411.2); short protein forms N1047S, N1081S, N1096S, N1118S, N1123S, N1125S, N1130S.
Identifiers: ClinVar variation 1061787 (VCV001061787.6), dbSNP rs544044508, ClinGen allele CA207189381.
Genomic context (GRCh38, chr10:53,938,835, plus strand): 5'-CCATACAATTCTGGTAAAAGCTTTAAGTAGTATAACTTACTTTTTGAAGGAACTCGGAGA[T>C]TGGCAAGGACCACTTCCAGGGAATCAGCTTGGACTCGAAGTACATAGCTTGTCCTGGTCT-3'
Protein context (NP_001371069.1, residues 1108-1128): QADSLEVVLA[Asn1118Ser]LRVPSKSNTA

ClinVar aggregate classification (germline): Uncertain significance (1 of 4 stars; one submission).

Allele frequency attached by ClinVar (database versions not stated): TOPMed below 0.00001; gnomAD 0.00001; 1000 Genomes Project 30x 0.00016; 1000 Genomes Project 0.00020.
gnomAD v4.1: 2 of 1,613,438 alleles (0.00012%); highest among the groups gnomAD compares: East Asian, 0.0022%; no homozygotes.

Submission:

Labcorp Genetics (formerly Invitae), Labcorp
Classification: Uncertain significance. Last evaluated: 2021-08-31. Review status: criteria provided, single submitter. Criteria: Invitae Variant Classification Sherloc (09022015). Collection method: clinical testing. Allele origin: germline.
Comment: This sequence change replaces asparagine with serine at codon 1118 of the PCDH15 protein (p.Asn1118Ser). The asparagine residue is highly conserved and there is a small physicochemical difference between asparagine and serine. This variant is not present in population databases (ExAC no frequency). This variant has not been reported in the literature in individuals affected with PCDH15-related conditions. Algorithms developed to predict the effect of missense changes on protein structure and function are either unavailable or do not agree on the potential impact of this missense change (SIFT: "Tolerated"; PolyPhen-2: "Possibly Damaging"; Align-GVGD: "Class C0"). In summary, the available evidence is currently insufficient to determine the role of this variant in disease. Therefore, it has been classified as a Variant of Uncertain Significance.